The following is an entry in ClinVar:

NM_002838.5(PTPRC):c.2318C>G (p.Thr773Ser)

Gene: PTPRC (protein tyrosine phosphatase receptor type C; plus strand). Cytogenetic location: 1q32.1.
Variant type: single nucleotide variant.
Coding change: c.2318C>G on transcript NM_002838.5 (MANE Select); coding-DNA position 2318, C replaced by G.
Protein change: p.Thr773Ser; replaces threonine 773 with serine.
Molecular consequence: missense variant.
Genome position (GRCh38, 1-based): chr1:198,735,167, C>G. VCF-style: chr1-198735167-C-G. GRCh37 (hg19) VCF-style: chr1-198704296-C-G.
Other names: c.1835C>G, p.Thr612Ser (NM_080921.4); short protein forms T773S, T612S.
Identifiers: ClinVar variation 651326 (VCV000651326.9), dbSNP rs1571880881, ClinGen allele CA344048712.

ClinVar aggregate classification (germline): Uncertain significance (1 of 4 stars; one submission).

Conditions:
Immunodeficiency 104. Also called: Severe combined immunodeficiency, autosomal recessive, T cell-negative, B cell-positive, NK cell-positive; SCID, AUTOSOMAL RECESSIVE, T CELL-NEGATIVE, B CELL-POSITIVE, NK CELL-POSITIVE; Severe Combined Immune Deficiency, Autosomal Recessive, TCell -Negative, B Cell-Positive, NK Cell-Positive, IL7R-Related; IMMUNODEFICIENCY 104, SEVERE COMBINED. Identifiers: MedGen C5676890, MONDO:0012163, OMIM 608971.

Submission:

Labcorp Genetics (formerly Invitae), Labcorp
Classification: Uncertain significance for Immunodeficiency 104. Last evaluated: 2018-10-19. Review status: criteria provided, single submitter. Criteria: Invitae Variant Classification Sherloc (09022015). Collection method: clinical testing. Allele origin: germline.
Comment: This sequence change replaces threonine with serine at codon 773 of the PTPRC protein (p.Thr773Ser). The threonine residue is highly conserved and there is a small physicochemical difference between threonine and serine. This variant is not present in population databases (ExAC no frequency). This variant has not been reported in the literature in individuals with PTPRC-related disease. Algorithms developed to predict the effect of missense changes on protein structure and function output the following: SIFT: "Deleterious"; PolyPhen-2: "Benign"; Align-GVGD: "Class C55". The serine amino acid residue is found in multiple mammalian species, suggesting that this missense change does not adversely affect protein function. These predictions have not been confirmed by published functional studies and their clinical significance is uncertain. In summary, the available evidence is currently insufficient to determine the role of this variant in disease. Therefore, it has been classified as a Variant of Uncertain Significance.